The following is an entry in ClinVar:

ClinVar aggregate classification (germline): Uncertain significance (1 of 4 stars; one submission).

Conditions:
Inborn genetic diseases. Identifiers: MedGen C0950123, MeSH D030342.

gnomAD v4.1: 1 of 1,601,306 alleles (0.000062%); no homozygotes.

Submission:

Ambry Genetics
Classification: Uncertain significance for Inborn genetic diseases. Last evaluated: 2022-02-20. Review status: criteria provided, single submitter. Criteria: Ambry Variant Classification Scheme 2023. Collection method: clinical testing. Allele origin: germline.
Comment: The p.G422V variant (also known as c.1265G>T), located in coding exon 4 of the SMAD6 gene, results from a G to T substitution at nucleotide position 1265. The glycine at codon 422 is replaced by valine, an amino acid with dissimilar properties. This amino acid position is conserved. In addition, the in silico prediction for this alteration is inconclusive. Since supporting evidence is limited at this time, the clinical significance of this alteration remains unclear.

NM_005585.5(SMAD6):c.1265G>T (p.Gly422Val)

Gene: SMAD6 (SMAD family member 6; plus strand). Cytogenetic location: 15q22.31.
Variant type: single nucleotide variant.
Coding change: c.1265G>T on transcript NM_005585.5 (MANE Select); coding-DNA position 1265, G replaced by T.
Protein change: p.Gly422Val; replaces glycine 422 with valine.
Molecular consequence: missense variant. On other transcripts: non-coding transcript variant (1).
Genome position (GRCh38, 1-based): chr15:66,781,309, G>T. VCF-style: chr15-66781309-G-T. GRCh37 (hg19) VCF-style: chr15-67073647-G-T.
Other names: short protein forms G422V.
Identifiers: ClinVar variation 1764069 (VCV001764069.2), dbSNP rs2541898501, ClinGen allele CA393202193.